The following is an entry in ClinVar:

NM_007272.3(CTRC):c.738_761del (p.Lys247_Arg254del)

Gene: CTRC (chymotrypsin C; plus strand). Cytogenetic location: 1p36.21.
Variant type: Deletion.
Coding change: c.738_761del on transcript NM_007272.3 (MANE Select); coding-DNA positions 738 to 761, 24 bases deleted (CAAGAAGCCGGTAGTCTACACCCG).
Protein change: p.Lys247_Arg254del.
Molecular consequence: inframe deletion.
Genome position (GRCh38, 1-based): chr1:15,445,695-15,445,718, CAAGAAGCCGGTAGTCTACACCCG deleted; deleting any 24 consecutive bases within chr1:15,445,688-15,445,718 gives the same sequence; the c. name uses the placement nearest the transcript's 3' end. VCF-style (leftmost placement, unchanged base first): chr1-15445687-AACACCCGCAAGAAGCCGGTAGTCT-A. GRCh37 (hg19) VCF-style: chr1-15772182-AACACCCGCAAGAAGCCGGTAGTCT-A.
Other names: c.738_761delCAAGAAGCCGGTAGTCTACACCCG (NM_007272.2).
Identifiers: ClinVar variation 132150 (VCV000132150.26), dbSNP rs515726210, ClinGen allele CA345648.

ClinVar aggregate classification (germline): Pathogenic. Review status: criteria provided, multiple submitters, no conflicts (2 of 4 stars). 10 submissions from 10 submitters: Pathogenic (8). 2 of the submissions do not count toward it. Last evaluated 2026-07-14.

Conditions:
CTRC-related disorder. Also called: CTRC-related condition.
Hereditary pancreatitis (PCTT). Also called: PRSS1-Related Hereditary Pancreatitis; Hereditary chronic pancreatitis. Identifiers: Orphanet 676, MedGen C0238339, MONDO:0008185, OMIM 167800.
Pancreatitis, chronic, susceptibility to. Identifiers: MedGen C1969419.

Submissions (10):

PreventionGenetics, part of Exact Sciences
Classification: Pathogenic for CTRC-related condition. Last evaluated: 2026-07-14. Review status: criteria provided, single submitter. Criteria: ACMG Guidelines, 2015. Collection method: clinical testing. Allele origin: germline.
Comment: The CTRC c.738_761del24 variant is predicted to result in an in-frame deletion (p.Lys247_Arg254del). This variant has been reported at significantly higher levels in individuals with chronic pancreatitis than unaffected controls across multiple case-control studies (Rosendahl et al. 2008. PubMed ID: 18059268; Rosendahl et al. 2012. PubMed ID: 22427236; Beer et al. 2012. PubMed ID: 22942235; Grabarczyk et al. 2017. PubMed ID: 28968289). In vitro experimental studies in HEK293T and rat acinar (AJ42R) cells have demonstrated that this variant results in complete loss of enzymatic activity and increased sensitivity to trypsin degradation (Supplemental Data, Rosendahl et al. 2008. PubMed ID: 18059268; Beer et al. 2012. PubMed ID: 22942235). This variant is reported in 0.015% of alleles in individuals of European (Non-Finnish) descent in gnomAD. Taken together, this variant is interpreted as pathogenic for increased susceptibility to autosomal dominant chronic pancreatitis.

Labcorp Genetics (formerly Invitae), Labcorp
Classification: Pathogenic for Hereditary pancreatitis. Last evaluated: 2025-12-17. Review status: criteria provided, single submitter. Criteria: Invitae Variant Classification Sherloc (09022015). Collection method: clinical testing. Allele origin: germline.
Comment: This variant, c.738_761del, results in the deletion of 8 amino acid(s) of the CTRC protein (p.Lys247_Arg254del), but otherwise preserves the integrity of the reading frame. This variant is present in population databases (rs746224507, gnomAD 0.01%). This variant has been observed in individual(s) with CTRC-associated pancreatitis, especially in the European population. In a compiled analysis of four case-control studies involving 1,739 cases and 3,686 controls, this variant was significantly associated with increased risk for pancreatitis (PMID: 18059268, 18172691, 20625975, 22427236, 22942235). ClinVar contains an entry for this variant (Variation ID: 132150). Algorithms developed to predict the effect of variants on gene product structure and function are not available or were not evaluated for this variant. Experimental studies have shown that this variant affects CTRC function (PMID: 18059268, 22942235). For these reasons, this variant has been classified as Pathogenic.

Variantyx, Inc.
Classification: Pathogenic for Hereditary pancreatitis. Last evaluated: 2025-12-12. Review status: criteria provided, single submitter. Criteria: Variantyx Assertion Criteria 2022. Collection method: clinical testing. Allele origin: germline. Inheritance: Autosomal dominant inheritance. Affected: yes.
Comment: This is an in-frame deletion variant in theCTRC gene (OMIM: 601405). Pathogenic variants in this gene have been associated with autosomal dominant susceptibility to chronic pancreatitis. This variant causes an in-frame deletion of 8 amino acids at position 247-254 of the CTRC protein (PM4). The frequency of this variant in affected individuals is significantly increased compared to controls, OR= 6.4, 95% CI=2.3‚Äì17.5 (PMID: 22942235, 35594281) (PS4). Functional studies have shown that this variant results in a protein that is catalytically inactive, poorly secreted, and readily degraded by low concentrations of trypsin (PMID: 22942235, 18059268) (PS3). This variant has a 0.0093% maximum allele frequency in non-founder control populations. Based on the current evidence, this variant is classified as pathogenic for autosomal dominant susceptibility to chronic pancreatitis

Ambry Genetics
Classification: Pathogenic for Hereditary pancreatitis. Last evaluated: 2025-09-24. Review status: criteria provided, single submitter. Criteria: Ambry Variant Classification Scheme 2023. Collection method: clinical testing. Allele origin: germline.
Comment: The c.738_761del24 pathogenic mutation (also known as p.K247_R254del) is located in coding exon 7 of the CTRC gene. This mutation results from an in-frame deletion of 24 nucleotides between positions 738 and 761. This results in the deletion of 8 amino acids between codons 247 and 254. In one study, this mutation was significantly overrepresented in the pancreatitis group compared to controls (Rosendahl J et al. Nat. Genet., 2008 Jan;40:78-82). In another study of individuals of European origin, this mutation was detected in 15/1739 (0.86%) affected individuals and 5/3586 (0.14%) controls (Beer S et al. Gut, 2013 Nov;62:1616-24). In vitro functional studies showed that protein with this variant is catalytically inactive, poorly secreted, and readily degraded by low concentrations of trypsin; the loss of function is hypothesized to increase the risk for chronic pancreatitis (Rosendahl J et al. Nat. Genet., 2008 Jan;40:78-82; Beer S et al. Gut, 2013 Nov;62:1616-24). Based on the supporting evidence, this alteration is interpreted as a disease-causing mutation.

Baylor Genetics
Classification: Pathogenic for Hereditary pancreatitis. Last evaluated: 2023-01-31. Review status: criteria provided, single submitter. Criteria: ACMG Guidelines, 2015. Collection method: clinical testing. Allele origin: unknown.

Dubai Health Genomic Medicine Center, Dubai Health
Classification: Pathogenic. Last evaluated: 2022-12-17. Review status: criteria provided, single submitter. Criteria: ACMG Guidelines, 2015. Collection method: clinical testing. Allele origin: germline. Affected: yes.

Knight Diagnostic Laboratories, Oregon Health and Sciences University
Classification: Pathogenic. Last evaluated: 2019-11-18. Review status: criteria provided, single submitter. Criteria: ACMG Guidelines, 2015. Collection method: clinical testing. Allele origin: germline. Observed: 1 variant allele.

ARUP Laboratories, Molecular Genetics and Genomics, ARUP Laboratories
Classification: Pathogenic. Last evaluated: 2016-11-20. Review status: criteria provided, single submitter. Criteria: ARUP Molecular Germline Variant Investigation Process. Collection method: clinical testing. Allele origin: germline.

OMIM
Classification: risk factor for PANCREATITIS, CHRONIC, SUSCEPTIBILITY TO. Last evaluated: 2008-02-01. Review status: no assertion criteria provided. Collection method: literature only. Allele origin: germline. Not counted in ClinVar's aggregate classification.

GeneReviews
No classification provided. Condition: Hereditary pancreatitis. Review status: no classification provided. Collection method: literature only. Allele origin: germline. Affected: yes. Not counted in ClinVar's aggregate classification.

Literature cited by the submitters: PubMed 18059268 (cited by 4 submitters); PubMed 18172691 (cited by 3 submitters); PubMed 20625975 (cited by Labcorp Genetics (formerly Invitae), Labcorp); PubMed 22427236 (cited by Labcorp Genetics (formerly Invitae), Labcorp); PubMed 22942235 (cited by 3 submitters); PubMed 35594281 (cited by Variantyx, Inc.).